The following is an entry in ClinVar:

NM_001386135.1(AFF3):c.1520G>A (p.Cys507Tyr)

Gene: AFF3 (ALF transcription elongation factor 3; minus strand). Cytogenetic location: 2q11.2.
Variant type: single nucleotide variant.
Coding change: c.1520G>A on transcript NM_001386135.1 (MANE Select); coding-DNA position 1520, G replaced by A.
Protein change: p.Cys507Tyr; replaces cysteine 507 with tyrosine.
Molecular consequence: missense variant.
Genome position (GRCh38, 1-based): chr2:99,594,141, C>T on the plus strand (G>A on the coding strand, the complement: AFF3 is on the minus strand). VCF-style: chr2-99594141-C-T. GRCh37 (hg19) VCF-style: chr2-100210603-C-T.
Other names: c.1595G>A, p.Cys532Tyr (NM_001025108.2); c.1520G>A, p.Cys507Tyr (NM_002285.3); short protein forms C507Y, C532Y.
Identifiers: ClinVar variation 1700858 (VCV001700858.2), dbSNP rs1679050078, ClinGen allele CA347888596.

ClinVar aggregate classification (germline): Uncertain significance (1 of 4 stars; one submission).

Submission:

GeneDx
Classification: Uncertain significance. Last evaluated: 2022-02-12. Review status: criteria provided, single submitter. Criteria: GeneDx Variant Classification Process June 2021. Collection method: clinical testing. Allele origin: germline. Affected: yes.
Comment: Not observed at significant frequency in large population cohorts (gnomAD); In silico analysis supports that this missense variant has a deleterious effect on protein structure/function; Has not been previously published as pathogenic or benign to our knowledge